The following is an entry in ClinVar:

ClinVar aggregate classification (germline): Uncertain significance (1 of 4 stars; one submission).

Conditions:
Familial cold autoinflammatory syndrome 2 (FCAS2). Identifiers: Orphanet 247868, MedGen C2673198, MONDO:0012724, OMIM 611762.

Submission:

Labcorp Genetics (formerly Invitae), Labcorp
Classification: Uncertain significance for Familial cold autoinflammatory syndrome 2. Last evaluated: 2025-11-04. Review status: criteria provided, single submitter. Criteria: Invitae Variant Classification Sherloc (09022015). Collection method: clinical testing. Allele origin: germline.
Comment: This sequence change falls in intron 1 of the NLRP12 gene. It does not directly change the encoded amino acid sequence of the NLRP12 protein. Information on the frequency of this variant in the gnomAD database is not available, as this variant may be reported differently in the database. This variant has not been reported in the literature in individuals affected with NLRP12-related conditions. Experimental studies and prediction algorithms are not available or were not evaluated, and the effect of this variant on mRNA splicing is currently unknown. In summary, the available evidence is currently insufficient to determine the role of this variant in disease. Therefore, it has been classified as a Variant of Uncertain Significance.

NM_144687.4(NLRP12):c.290-16_290-14delinsGAT

Gene: NLRP12 (NLR family pyrin domain containing 12; minus strand). Cytogenetic location: 19q13.42.
Variant type: Indel.
Coding change: c.290-16_290-14delinsGAT on transcript NM_144687.4 (MANE Select); 16 bases into the intron before coding-DNA position 290 through 14 bases into the intron before coding-DNA position 290, ACA replaced by GAT.
Molecular consequence: intron variant.
Genome position (GRCh38, 1-based): chr19:53,815,002-53,815,004, TGT replaced by ATC on the plus strand (ACA replaced by GAT on the coding strand, the reverse complement: NLRP12 is on the minus strand). VCF-style: chr19-53815002-TGT-ATC. GRCh37 (hg19) VCF-style: chr19-54318256-TGT-ATC.
Other names: c.290-16_290-14delinsGAT (NM_001277129.1, NM_001277126.2).
Identifiers: ClinVar variation 4730108 (VCV004730108.1).
Genomic context (GRCh38, chr19:53,815,002, plus strand): 5'-GCATGTTGACTGGTTCCCAAGTGAGGACGGGCCACCAGGTGGGGTATCTGGAAGAGAAAT[TGT>ATC]GGAAGATGAGCTAGCACGCATCTGGCTAGTAGCACCGCGTCATATTAGCTGCGATTACGT-3'